The following is an entry in ClinVar:

ClinVar aggregate classification (germline): Uncertain significance (1 of 4 stars; one submission).

Submission:

Labcorp Genetics (formerly Invitae), Labcorp
Classification: Uncertain significance. Last evaluated: 2024-09-17. Review status: criteria provided, single submitter. Criteria: Invitae Variant Classification Sherloc (09022015). Collection method: clinical testing. Allele origin: germline.
Comment: This sequence change replaces glutamic acid, which is acidic and polar, with leucine, which is neutral and non-polar, at codon 1320 of the NIN protein (p.Glu1320Leu). Information on the frequency of this variant in the gnomAD database is not available, as this variant may be reported differently in the database. This variant has not been reported in the literature in individuals affected with NIN-related conditions. Experimental studies and prediction algorithms are not available or were not evaluated, and the functional significance of this variant is currently unknown. In summary, the available evidence is currently insufficient to determine the role of this variant in disease. Therefore, it has been classified as a Variant of Uncertain Significance.

NM_020921.4(NIN):c.3958_3959delinsTT (p.Gly1320Leu)

Gene: NIN (ninein; minus strand). Cytogenetic location: 14q22.1.
Variant type: Indel.
Coding change: c.3958_3959delinsTT on transcript NM_020921.4 (MANE Select); coding-DNA positions 3958 to 3959, GG replaced by TT.
Protein change: p.Gly1320Leu; replaces glycine 1320 with leucine.
Molecular consequence: missense variant. On other transcripts: intron variant (1).
Genome position (GRCh38, 1-based): chr14:50,757,071-50,757,072, CC replaced by AA on the plus strand (GG replaced by TT on the coding strand, the reverse complement: NIN is on the minus strand). VCF-style: chr14-50757071-CC-AA. GRCh37 (hg19) VCF-style: chr14-51223789-CC-AA.
Other names: c.3958_3959delinsTT, p.Gly1320Leu (NM_182944.3, NM_182946.2); c.2400-2205_2400-2204delinsTT (NM_016350.5); short protein forms G1320L.
Identifiers: ClinVar variation 3717838 (VCV003717838.2).